The following is an entry in ClinVar:

ClinVar aggregate classification (germline): Benign/Likely benign. Review status: criteria provided, multiple submitters, no conflicts (2 of 4 stars). 4 submissions from 4 submitters: Benign (3); Likely benign (1). Last evaluated 2026-01-12.

Conditions:
Intellectual developmental disorder, X-linked 21. Also called: MENTAL RETARDATION, X-LINKED 34; Mental retardation, X-linked 21/34; Intellectual disability, X-linked 21. Identifiers: Orphanet 777, MedGen C5551510, MONDO:0010256, OMIM 300143.

Allele frequency attached by ClinVar (database versions not stated): gnomAD 0.00006; TOPMed 0.00013; gnomAD exomes 0.00016 and 0.00017; ExAC 0.00021.
gnomAD v4.1: 182 of 1,207,599 alleles (0.015%); highest among the groups gnomAD compares: East Asian, 0.53%; 1 homozygote.

Submissions (4):

Labcorp Genetics (formerly Invitae), Labcorp
Classification: Benign. Last evaluated: 2026-01-12. Review status: criteria provided, single submitter. Criteria: Invitae Variant Classification Sherloc (09022015). Collection method: clinical testing. Allele origin: germline.

CeGaT Center for Human Genetics Tuebingen
Classification: Likely benign. Last evaluated: 2025-11-01. Review status: criteria provided, single submitter. Criteria: CeGaT Center For Human Genetics Tuebingen Variant Classification Criteria Version 2. Collection method: clinical testing. Allele origin: germline. Affected: yes. Observed: 1 variant allele.
Comment: IL1RAPL1: BP4, BP7, BS2

Illumina Laboratory Services, Illumina
Classification: Benign for Intellectual developmental disorder, X-linked 21. Last evaluated: 2018-01-12. Review status: criteria provided, single submitter. Criteria: ICSL Variant Classification Criteria 13 December 2019. Collection method: clinical testing. Allele origin: germline.
Comment: This variant was observed in the ICSL laboratory as part of a predisposition screen in an ostensibly healthy population. It had not been previously curated by ICSL or reported in the Human Gene Mutation Database (HGMD: prior to June 1st, 2018), and was therefore a candidate for classification through an automated scoring system. Utilizing variant allele frequency, disease prevalence and penetrance estimates, and inheritance mode, an automated score was calculated to assess if this variant is too frequent to cause the disease. Based on the score and internal cut-off values, a variant classified as benign is not then subjected to further curation. The score for this variant resulted in a classification of benign for this disease.

Breakthrough Genomics
Classification: Benign. Review status: criteria provided, single submitter. Criteria: ACMG Guidelines, 2015. Collection method: not provided. Allele origin: germline. Inheritance: X-linked inheritance. Affected: yes.

NM_014271.4(IL1RAPL1):c.726C>A (p.Pro242=)

Gene: IL1RAPL1 (interleukin 1 receptor accessory protein like 1; plus strand). Cytogenetic location: Xp21.2.
Variant type: single nucleotide variant.
Coding change: c.726C>A on transcript NM_014271.4 (MANE Select); coding-DNA position 726, C replaced by A.
Protein change: p.Pro242=; no amino-acid change (proline 242 retained).
Molecular consequence: synonymous variant.
Genome position (GRCh38, 1-based): chrX:29,668,452, C>A. VCF-style: chrX-29668452-C-A. GRCh37 (hg19) VCF-style: chrX-29686569-C-A.
Identifiers: ClinVar variation 368193 (VCV000368193.16), dbSNP rs748193306, ClinGen allele CA10375471.